The following is an entry in ClinVar:

ClinVar aggregate classification (germline): Uncertain significance (1 of 4 stars; one submission).

Conditions:
Joubert syndrome. Also called: CEREBELLOPARENCHYMAL DISORDER IV; JOUBERT-BOLTSHAUSER SYNDROME; Familial aplasia of the vermis. Identifiers: Orphanet 475, MedGen C5979921, MONDO:0018772.
Meckel-Gruber syndrome. Also called: DYSENCEPHALIA SPLANCHNOCYSTICA; GRUBER SYNDROME; Dysencephalia splachnocystica. Identifiers: Orphanet 564, MedGen C0265215, MONDO:0018921.

Submission:

Labcorp Genetics (formerly Invitae), Labcorp
Classification: Uncertain significance for Joubert syndrome; Meckel-Gruber syndrome. Last evaluated: 2022-02-20. Review status: criteria provided, single submitter. Criteria: Invitae Variant Classification Sherloc (09022015). Collection method: clinical testing. Allele origin: germline.
Comment: This sequence change replaces valine, which is neutral and non-polar, with glycine, which is neutral and non-polar, at codon 21 of the MKS1 protein (p.Val21Gly). This variant is not present in population databases (gnomAD no frequency). This variant has not been reported in the literature in individuals affected with MKS1-related conditions. Advanced modeling of protein sequence and biophysical properties (such as structural, functional, and spatial information, amino acid conservation, physicochemical variation, residue mobility, and thermodynamic stability) performed at Invitae indicates that this missense variant is expected to disrupt MKS1 protein function. Algorithms developed to predict the effect of sequence changes on RNA splicing suggest that this variant may disrupt the consensus splice site. In summary, the available evidence is currently insufficient to determine the role of this variant in disease. Therefore, it has been classified as a Variant of Uncertain Significance.

NM_017777.4(MKS1):c.62T>G (p.Val21Gly)

Genes: MKS1 (MKS transition zone complex subunit 1; minus strand), LOC130061271 (ATAC-STARR-seq lymphoblastoid active region 12461; plus strand). Cytogenetic location: 17q22.
Variant type: single nucleotide variant.
Coding change: c.62T>G on transcript NM_017777.4 (MANE Select); coding-DNA position 62, T replaced by G.
Protein change: p.Val21Gly; replaces valine 21 with glycine.
Molecular consequence: missense variant. On other transcripts: 5 prime UTR variant (1).
Genome position (GRCh38, 1-based): chr17:58,219,169, A>C on the plus strand (T>G on the coding strand, the complement: MKS1 is on the minus strand). VCF-style: chr17-58219169-A-C. GRCh37 (hg19) VCF-style: chr17-56296530-A-C.
Other names: c.-450T>G (NM_001321268.2); c.62T>G, p.Val21Gly (NM_001321269.2, NM_001330397.2, NM_001411113.1); short protein forms V21G.
Identifiers: ClinVar variation 2079525 (VCV002079525.1), dbSNP rs1376789752, ClinGen allele CA400328133.